The following continues an entry in ClinVar:

NM_007294.4(BRCA1):c.2685_2686del (p.Pro897fs)

Gene: BRCA1. ClinVar aggregate classification (germline): Pathogenic. Pathogenic (1).

Submissions 10 to 26 of 26:

Color Diagnostics, LLC DBA Color Health
Classification: Pathogenic for Hereditary cancer-predisposing syndrome. Last evaluated: 2024-04-03. Review status: criteria provided, single submitter. Criteria: ACMG Guidelines, 2015. Collection method: clinical testing. Allele origin: germline. Not counted in ClinVar's aggregate classification.
Comment: This variant deletes 2 nucleotides in exon 10 of the BRCA1 gene, creating a frameshift and premature translation stop signal. This variant is expected to result in an absent or non-functional protein product. This variant has been reported in multiple individuals and families affected with breast, ovarian and fallopian tube cancer (PMID: 8807330, 9150151, 9361038, 9429140, 12354934, 14574155, 24285858) and has been reported as a Dutch founder mutation that is also common in Belgium (PMID: 9150151, 17591843, 23199084). This variant has been identified in 1/250904 chromosomes in the general population by the Genome Aggregation Database (gnomAD). Loss of BRCA1 function is a known mechanism of disease. Based on the available evidence, this variant is classified as Pathogenic.

Baylor Genetics
Classification: Pathogenic for Breast-ovarian cancer, familial, susceptibility to, 1. Last evaluated: 2024-02-21. Review status: criteria provided, single submitter. Criteria: ACMG Guidelines, 2015. Collection method: clinical testing. Allele origin: unknown. Not counted in ClinVar's aggregate classification.

Quest Diagnostics Nichols Institute San Juan Capistrano
Classification: Pathogenic. Last evaluated: 2023-10-14. Review status: criteria provided, single submitter. Criteria: Quest Diagnostics criteria. Collection method: clinical testing. Allele origin: unknown. Not counted in ClinVar's aggregate classification.
Comment: The BRCA1 c.2685_2686del (p.Pro897Lysfs*5) variant alters the translational reading frame of the BRCA1 mRNA and causes the premature termination of BRCA1 protein synthesis. This variant has been reported in the published literature in individuals with breast cancer (PMID: 34981296 (2022), 33471991 (2021)), ovarian cancer (PMID: 27767231 (2017), 30972954 (2019)), and endometrial cancer (PMID: 31492746 (2019)). This variant has also been reported as a Dutch founder mutation (PMID: 8807330 (1996), 11597388 (2001), 17591843 (2007), 23199084 (2010)). The frequency of this variant in the general population, 0.000004 (1/250904 chromosomes (Genome Aggregation Database)), is consistent with pathogenicity. Based on the available information, this variant is classified as pathogenic.

Consortium of Investigators of Modifiers of BRCA1/2 (CIMBA), c/o University of Cambridge
Classification: Pathogenic for Breast-ovarian cancer, familial, susceptibility to, 1. Last evaluated: 2015-10-02. Review status: criteria provided, single submitter. Criteria: CIMBA Mutation Classification guidelines May 2016. Collection method: clinical testing. Allele origin: germline. Not counted in ClinVar's aggregate classification.

Clinical Genetics DNA and cytogenetics Diagnostics Lab, Erasmus MC, Erasmus Medical Center
Classification: Pathogenic for Breast-ovarian cancer, familial, susceptibility to, 1. Last evaluated: 2015-09-21. Review status: criteria provided, single submitter. Criteria: ACGS Guidelines, 2013. Collection method: clinical testing. Allele origin: germline. Affected: yes. Study: VKGL Data-share Consensus. Not counted in ClinVar's aggregate classification.

Genome Diagnostics Laboratory, University Medical Center Utrecht
Classification: Pathogenic for Breast-ovarian cancer, familial, susceptibility to, 1. Last evaluated: 2014-10-10. Review status: criteria provided, single submitter. Criteria: ACGS Guidelines, 2013. Collection method: clinical testing. Allele origin: germline. Affected: yes. Study: VKGL Data-share Consensus. Not counted in ClinVar's aggregate classification.

Institute of Human Genetics, University Hospital of Duesseldorf
Classification: Pathogenic for Breast-ovarian cancer, familial, susceptibility to, 1. Review status: criteria provided, single submitter. Criteria: ACMG Guidelines, 2015. Collection method: not provided. Allele origin: germline. Inheritance: Autosomal dominant inheritance. Affected: yes. Not counted in ClinVar's aggregate classification.

PreventionGenetics, part of Exact Sciences
Classification: Pathogenic for BRCA1-related condition. Last evaluated: 2024-04-03. Review status: no assertion criteria provided. Collection method: clinical testing. Allele origin: germline. Not counted in ClinVar's aggregate classification.
Comment: The BRCA1 c.2685_2686delAA variant is predicted to result in a frameshift and premature protein termination (p.Pro897Lysfs*5). This variant has been reported in individuals with breast and/or ovarian cancer (Weren et al. 2016. PubMed ID: 27767231; Deng et al. 2019. PubMed ID: 30972954; Garvin et al. 1997. PubMed ID: 9429140; Vehmanen et al. 1997. PubMed ID: 9361038). This variant is the third most common BRCA mutation in the Netherlands and is considered a founder mutation in the Dutch population (Rebbeck et al. 2018. PubMed ID: 29446198; Ferla et al. 2007. PubMed ID: 17591843; van der Hout et al. 2006. PubMed ID: 16683254). There are 16 germline entries in ClinVar, all of which determine this variant to be pathogenic. It is reported in 0.0033% of alleles in individuals of South Asian descent in gnomAD. Frameshift variants in BRCA1 are expected to be pathogenic. This variant is interpreted as pathogenic.

BRCAlab, Lund University
Classification: Pathogenic for Breast-ovarian cancer, familial, susceptibility to, 1. Last evaluated: 2020-03-02. Review status: no assertion criteria provided. Collection method: clinical testing. Allele origin: germline. Affected: yes. Not counted in ClinVar's aggregate classification.

Counsyl
Classification: Pathogenic for Breast-ovarian cancer, familial, susceptibility to, 1. Last evaluated: 2017-01-05. Review status: no assertion criteria provided. Collection method: clinical testing. Allele origin: unknown. Not counted in ClinVar's aggregate classification.

Genome Diagnostics Laboratory, Amsterdam University Medical Center
Classification: Pathogenic for Breast-ovarian cancer, familial, susceptibility to, 1. Last evaluated: 2016-03-18. Review status: no assertion criteria provided. Criteria: ACGS Guidelines, 2013. Collection method: clinical testing. Allele origin: germline. Affected: yes. Study: VKGL Data-share Consensus. Not counted in ClinVar's aggregate classification.

Pathway Genomics
Classification: Pathogenic for Breast-ovarian cancer, familial 1. Last evaluated: 2014-07-24. Review status: no assertion criteria provided. Collection method: clinical testing. Allele origin: germline. Not counted in ClinVar's aggregate classification.

Sharing Clinical Reports Project (SCRP)
Classification: Pathogenic for Breast-ovarian cancer, familial 1. Last evaluated: 2011-07-31. Review status: no assertion criteria provided. Collection method: clinical testing. Allele origin: germline. Not counted in ClinVar's aggregate classification.

Breast Cancer Information Core (BIC) (BRCA1)
Classification: Pathogenic for Breast-ovarian cancer, familial 1. Last evaluated: 2002-05-29. Review status: no assertion criteria provided. Collection method: clinical testing. Allele origin: germline. Affected: yes. Observed: 60 variant alleles. Not counted in ClinVar's aggregate classification.

Clinical Genetics Laboratory, Department of Pathology, Netherlands Cancer Institute
Classification: Pathogenic. Review status: no assertion criteria provided. Collection method: clinical testing. Allele origin: germline. Affected: yes. Study: VKGL Data-share Consensus. Not counted in ClinVar's aggregate classification.

Department of Pathology and Laboratory Medicine, Sinai Health System
Classification: Pathogenic. Review status: no assertion criteria provided. Collection method: clinical testing. Allele origin: unknown. Affected: yes. Observed: 1 variant allele. Study: The Canadian Open Genetics Repository (COGR). Not counted in ClinVar's aggregate classification.
Comment: The c.2685_2686delAA located within exon 11b of BRCA1 is a deletion type mutation, which is predicted to lead to frameshift and a premature stop codon at position Pro897LysX5, and therefore resulting in truncated or absent protein. Loss of function of the BRCA1 gene is an established disease mechanism in familial breast cancer patients. In summary, based on the above information, this variant is classified as pathogenic.

Diagnostic Laboratory, Department of Genetics, University Medical Center Groningen
Classification: Pathogenic for Breast-ovarian cancer, familial, susceptibility to, 1. Review status: no assertion criteria provided. Collection method: clinical testing. Allele origin: germline. Affected: yes. Study: VKGL Data-share Consensus. Not counted in ClinVar's aggregate classification.

Literature cited by the submitters: PubMed 8807330 (cited by 5 submitters); PubMed 9150151 (cited by 9 submitters); PubMed 11597388 (cited by 6 submitters); PubMed 17591843 (cited by 5 submitters); PubMed 23199084 (cited by 5 submitters); PubMed 34981296 (cited by Variantyx, Inc. and Quest Diagnostics Nichols Institute San Juan Capistrano); PubMed 33471991 (cited by Variantyx, Inc. and Quest Diagnostics Nichols Institute San Juan Capistrano); PubMed 27767231 (cited by 4 submitters); PubMed 30972954 (cited by 4 submitters); PubMed 31492746 (cited by Variantyx, Inc. and Quest Diagnostics Nichols Institute San Juan Capistrano); PubMed 20104584 (cited by Labcorp Genetics (formerly Invitae), Labcorp); PubMed 16683254 (cited by Labcorp Genetics (formerly Invitae), Labcorp and Ambry Genetics); PubMed 19949876 (cited by Labcorp Genetics (formerly Invitae), Labcorp and Counsyl); PubMed 24285858 (cited by 4 submitters); PubMed 14574155 (cited by 5 submitters); PubMed 25103822 (cited by Ambry Genetics); PubMed 29446198 (cited by Ambry Genetics and Quest Diagnostics Nichols Institute San Juan Capistrano); PubMed 30291343 (cited by Ambry Genetics and Quest Diagnostics Nichols Institute San Juan Capistrano); PubMed 9361038 (cited by 5 submitters); PubMed 9429140 (cited by 5 submitters); PubMed 12354934 (cited by 4 submitters); PubMed 18704682 (cited by Mayo Clinic Laboratories, Mayo Clinic and Counsyl); PubMed 29922827 (cited by Quest Diagnostics Nichols Institute San Juan Capistrano); PubMed 15642173 (cited by Counsyl); PubMed 27533489 (cited by Counsyl).